The following is an entry in ClinVar:

ClinVar aggregate classification (germline): Likely pathogenic (1 of 4 stars; one submission).

Conditions:
Short-rib thoracic dysplasia 6 with or without polydactyly (SRTD6). Also called: POLYDACTYLY WITH NEONATAL CHONDRODYSTROPHY, TYPE II; Majewski Syndrome; SHORT-RIB THORACIC DYSPLASIA 6 WITH POLYDACTYLY; SHORT-RIB THORACIC DYSPLASIA 6 WITHOUT POLYDACTYLY; SHORT RIB-POLYDACTYLY SYNDROME, TYPE IIA. Identifiers: MedGen C0024507, MONDO:0009894, OMIM 263520.

Submission:

Labcorp Genetics (formerly Invitae), Labcorp
Classification: Likely pathogenic for Short-rib thoracic dysplasia 6 with or without polydactyly. Last evaluated: 2024-11-05. Review status: criteria provided, single submitter. Criteria: Invitae Variant Classification Sherloc (09022015). Collection method: clinical testing. Allele origin: germline.
Comment: This sequence change affects an acceptor splice site in intron 18 of the NEK1 gene. It is expected to disrupt RNA splicing. Variants that disrupt the donor or acceptor splice site typically lead to a loss of protein function (PMID: 16199547), and loss-of-function variants in NEK1 are known to be pathogenic (PMID: 22499340, 29068549). This variant is not present in population databases (gnomAD no frequency). This variant has not been reported in the literature in individuals affected with NEK1-related conditions. Algorithms developed to predict the effect of sequence changes on RNA splicing suggest that this variant may disrupt the consensus splice site. In summary, the currently available evidence indicates that the variant is pathogenic, but additional data are needed to prove that conclusively. Therefore, this variant has been classified as Likely Pathogenic.

Literature cited by the submitters: PubMed 16199547; PubMed 22499340; PubMed 29068549.

NM_001199397.3(NEK1):c.1750-2A>G

Gene: NEK1 (NIMA related kinase 1; minus strand). Cytogenetic location: 4q33.
Variant type: single nucleotide variant.
Coding change: c.1750-2A>G on transcript NM_001199397.3 (MANE Select); the canonical splice acceptor site of the intron before coding-DNA position 1750, A replaced by G.
Molecular consequence: splice acceptor variant.
Genome position (GRCh38, 1-based): chr4:169,508,333, T>C on the plus strand (A>G on the coding strand, the complement: NEK1 is on the minus strand). VCF-style: chr4-169508333-T-C. GRCh37 (hg19) VCF-style: chr4-170429484-T-C.
Other names: c.1540-2A>G (NM_001374421.1); c.1615-2A>G (NM_001374420.1); c.1459-2A>G (NM_001199399.3); c.1618-2A>G (NM_001199398.3); c.1666-2A>G (NM_001374419.1, NM_012224.4); c.1534-2A>G (NM_001199400.3); c.1750-2A>G (NM_001374418.1).
Identifiers: ClinVar variation 3694056 (VCV003694056.2).